The following is an entry in ClinVar:

NM_001267550.2(TTN):c.61024_61028del (p.Tyr20341_Glu20342insTer)

Genes: TTN-AS1 (TTN antisense RNA 1; plus strand), TTN (titin; minus strand). Cytogenetic location: 2q31.2.
Variant type: Deletion.
Coding change: c.61024_61028del on transcript NM_001267550.2 (MANE Select); coding-DNA positions 61024 to 61028, 5 bases deleted (GAGTT; older notation c.61024_61028delGAGTT).
Protein change: p.Tyr20341_Glu20342insTer.
Molecular consequence: nonsense.
Genome position (GRCh38, 1-based): chr2:178,590,697-178,590,701, AACTC deleted on the plus strand (GAGTT on the coding strand, the reverse complement: TTN is on the minus strand); deleting any 5 consecutive bases within chr2:178,590,697-178,590,702 gives the same sequence; the c. name uses the placement nearest the transcript's 3' end. VCF-style (leftmost placement, unchanged base first): chr2-178590696-AAACTC-A. GRCh37 (hg19) VCF-style: chr2-179455423-AAACTC-A.
Other names: c.56101_56105del, p.Tyr18700_Glu18701insTer (NM_001256850.1); c.33829_33833del, p.Tyr11276_Glu11277insTer (NM_003319.4); c.53320_53324del, p.Tyr17773_Glu17774insTer (NM_133378.4); c.34204_34208del, p.Tyr11401_Glu11402insTer (NM_133432.3); c.34405_34409del, p.Tyr11468_Glu11469insTer (NM_133437.4).
Identifiers: ClinVar variation 2946338 (VCV002946338.3), dbSNP rs2469446790, ClinGen allele CA2740096089.

ClinVar aggregate classification (germline): Likely pathogenic (1 of 4 stars; one submission).

Conditions:
Dilated cardiomyopathy 1G (CMD1G). Identifiers: Orphanet 154, MedGen C1858763, MONDO:0011400, OMIM 604145.
Autosomal recessive limb-girdle muscular dystrophy type 2J (LGMDR10). Also called: Limb-girdle muscular dystrophy, type 2J; MUSCULAR DYSTROPHY, LIMB-GIRDLE, AUTOSOMAL RECESSIVE 10. Identifiers: Orphanet 140922, MedGen C1837342, MONDO:0012127, OMIM 608807.

Submission:

Labcorp Genetics (formerly Invitae), Labcorp
Classification: Likely pathogenic for Dilated cardiomyopathy 1G; Autosomal recessive limb-girdle muscular dystrophy type 2J. Last evaluated: 2023-04-08. Review status: criteria provided, single submitter. Criteria: Invitae Variant Classification Sherloc (09022015). Collection method: clinical testing. Allele origin: germline.
Comment: This sequence change creates a premature translational stop signal (p.Glu20342*) in the TTN gene. While this is not anticipated to result in nonsense mediated decay, it is expected to create a truncated TTN protein. This variant is not present in population databases (gnomAD no frequency). This variant has not been reported in the literature in individuals affected with TTN-related conditions. This variant is located in the A band of TTN (PMID: 25589632). Truncating variants in this region are significantly overrepresented in patients affected with dilated cardiomyopathy (PMID: 25589632). Truncating variants in this region have also been reported in individuals affected with autosomal recessive centronuclear myopathy (PMID: 23975875). In summary, the currently available evidence indicates that the variant is pathogenic, but additional data are needed to prove that conclusively. Therefore, this variant has been classified as Likely Pathogenic.

Literature cited by the submitters: PubMed 25589632; PubMed 23975875.